The following is an entry in ClinVar:

NM_004006.3(DMD):c.-164_-132del

Gene: DMD (dystrophin; minus strand). Cytogenetic location: Xp21.1.
Variant type: Deletion.
Coding change: c.-164_-132del on transcript NM_004006.3 (MANE Select); 164 bases upstream of the start codon through 132 bases upstream of the start codon, 33 bases deleted.
Molecular consequence: 5 prime UTR variant. On other transcripts: intron variant (1).
Genome position (GRCh38, 1-based): chrX:33,211,444-33,211,476, 33 bases deleted; deleting any 33 consecutive bases within chrX:33,211,444-33,211,477 gives the same sequence; the c. name uses the placement nearest the transcript's 3' end. GRCh37 (hg19): chrX:33,229,562-33,229,594.
Other names: c.7+127783_7+127815del (NM_000109.4); c.-164_-132del33 (NM_004006.2).
Identifiers: ClinVar variation 1705153 (VCV001705153.1), dbSNP rs2521947825, ClinGen allele CA2580100765.

ClinVar aggregate classification (germline): Uncertain significance (1 of 4 stars; one submission).

Submission:

Women's Health and Genetics/Laboratory Corporation of America, LabCorp
Classification: Uncertain significance. Last evaluated: 2022-08-19. Review status: criteria provided, single submitter. Criteria: LabCorp Variant Classification Summary - May 2015. Collection method: clinical testing. Allele origin: germline.
Comment: Variant summary: DMD c.-164_-132del33 is located in the untranslated mRNA region upstream of the initiation codon. The variant was absent in 21890 control chromosomes (gnomAD). The available data on variant occurrences in the general population are insufficient to allow any conclusion about variant significance. To our knowledge, no occurrence of c.-164_-132del33 in individuals affected with Dystrophinopathies and no experimental evidence demonstrating its impact on protein function have been reported. No clinical diagnostic laboratories have submitted clinical-significance assessments for this variant to ClinVar after 2014. Based on the evidence outlined above, the variant was classified as uncertain significance.